The following is an entry in ClinVar:

NM_001011658.4(TRAPPC2):c.239-10_239-7del

Genes: OFD1 (OFD1 centriole and centriolar satellite protein; plus strand), TRAPPC2 (trafficking protein particle complex subunit 2; minus strand). Cytogenetic location: Xp22.2.
Variant type: Deletion.
Coding change: c.239-10_239-7del on transcript NM_001011658.4 (MANE Select); 10 bases into the intron before coding-DNA position 239 through 7 bases into the intron before coding-DNA position 239, 4 bases deleted (ATTA; older notation c.239-10_239-7delATTA).
Molecular consequence: intron variant.
Genome position (GRCh38, 1-based): chrX:13,716,096-13,716,099, TAAT deleted on the plus strand (ATTA on the coding strand, the reverse complement: TRAPPC2 is on the minus strand); deleting any 4 consecutive bases within chrX:13,716,096-13,716,102 gives the same sequence; the c. name uses the placement nearest the transcript's 3' end. VCF-style (leftmost placement, unchanged base first): chrX-13716095-ATAAT-A. GRCh37 (hg19) VCF-style: chrX-13734214-ATAAT-A.
Other names: c.239-10_239-7del (NM_014563.6); c.341-10_341-7del (NM_001128835.3); c.239-10_239-7delATTA (NM_014563.5).
Identifiers: ClinVar variation 1332782 (VCV001332782.10), dbSNP rs2146773091, ClinGen allele CA2573055120.

ClinVar aggregate classification (germline): Conflicting classifications of pathogenicity. Review status: criteria provided, conflicting classifications (1 of 4 stars). 3 submissions from 3 submitters: Pathogenic (1); Uncertain significance (1). 1 of the submissions does not count toward it. Last evaluated 2023-11-02.

Conditions:
TRAPPC2-related disorder. Also called: TRAPPC2-related condition.
Spondyloepiphyseal dysplasia tarda, X-linked. Also called: SED TARDA, X-LINKED. Identifiers: MedGen C3541456, MONDO:0010737, OMIM 313400.

Submissions (3):

Labcorp Genetics (formerly Invitae), Labcorp
Classification: Uncertain significance. Last evaluated: 2023-11-02. Review status: criteria provided, single submitter. Criteria: Invitae Variant Classification Sherloc (09022015). Collection method: clinical testing. Allele origin: germline.
Comment: This sequence change falls in intron 4 of the TRAPPC2 gene. It does not directly change the encoded amino acid sequence of the TRAPPC2 protein. This variant is not present in population databases (gnomAD no frequency). This variant has been observed in individuals with clinical features of spondyloepiphyseal dysplasia tarda (PMID: 11349230; Invitae). This variant is also known as IVS4-9—12del. ClinVar contains an entry for this variant (Variation ID: 1332782). Algorithms developed to predict the effect of sequence changes on RNA splicing suggest that this variant is not likely to affect RNA splicing. In summary, the available evidence is currently insufficient to determine the role of this variant in disease. Therefore, it has been classified as a Variant of Uncertain Significance.

Kasturba Medical College, Manipal, Kasturba Medical College, Manipal, Manipal Academy of Higher Education, Manipal, India
Classification: Pathogenic for Spondyloepiphyseal dysplasia tarda, X-linked. Review status: criteria provided, single submitter. Criteria: ACMG Guidelines, 2015. Collection method: clinical testing. Allele origin: inherited. Affected: yes.

PreventionGenetics, part of Exact Sciences
Classification: Likely pathogenic for TRAPPC2-related condition. Last evaluated: 2024-01-25. Review status: no assertion criteria provided. Collection method: clinical testing. Allele origin: germline. Not counted in ClinVar's aggregate classification.
Comment: The TRAPPC2 c.239-10_239-7delATTA variant is predicted to result in an intronic deletion. This variant was reported in an individual with spondyloepiphyseal dysplasia tarda (reported as as IVS4-9-12del, Gedeon et al. 2001. PubMed ID: 11349230). Similar nearby intronic deletions were reported in individuals with spondyloepiphyseal dysplasia tarda (inherited from the unaffected mother, reported as c.341-(11_9) in Davis. 2014. PubMed ID: 23656395; reported as as IVS4-4-11del in Gedeon et al. 2001. PubMed ID: 11349230).  This variant has not been reported in a large population database, indicating this variant is rare. The variant has been reported to segregate with skeletal dysplasia in a family (Internal Data, PreventionGenetics). This variant is interpreted as Likely Pathogenic.

Literature cited by the submitters: PubMed 11349230 (cited by Labcorp Genetics (formerly Invitae), Labcorp).